The following is an entry in ClinVar:

NM_002025.4(AFF2):c.3305C>T (p.Ala1102Val)

Gene: AFF2 (ALF transcription elongation factor 2; plus strand). Cytogenetic location: Xq28.
Variant type: single nucleotide variant.
Coding change: c.3305C>T on transcript NM_002025.4 (MANE Select); coding-DNA position 3305, C replaced by T.
Protein change: p.Ala1102Val; replaces alanine 1102 with valine.
Molecular consequence: missense variant.
Genome position (GRCh38, 1-based): chrX:148,973,508, C>T. VCF-style: chrX-148973508-C-T. GRCh37 (hg19) VCF-style: chrX-148055038-C-T.
Other names: c.3200C>T, p.Ala1067Val (NM_001169122.2, NM_001169124.2); c.3275C>T, p.Ala1092Val (NM_001169123.2); c.3188C>T, p.Ala1063Val (NM_001169125.2); c.2228C>T, p.Ala743Val (NM_001170628.1); short protein forms A1063V, A1067V, A1092V, A1102V, A743V.
Identifiers: ClinVar variation 3235731 (VCV003235731.1), dbSNP rs2521958456, ClinGen allele CA414513104.

ClinVar aggregate classification (germline): Uncertain significance (1 of 4 stars; one submission).

Submission:

Greenwood Genetic Center Diagnostic Laboratories, Greenwood Genetic Center
Classification: Uncertain significance. Last evaluated: 2024-02-09. Review status: criteria provided, single submitter. Criteria: ACMG Guidelines, 2015. Collection method: clinical testing. Allele origin: germline. Affected: yes.
Comment: PM2, PP3